The following is an entry in ClinVar:

NM_000179.3(MSH6):c.2908T>C (p.Trp970Arg)

Gene: MSH6 (mutS homolog 6; plus strand). Cytogenetic location: 2p16.3.
Variant type: single nucleotide variant.
Coding change: c.2908T>C on transcript NM_000179.3 (MANE Select); coding-DNA position 2908, T replaced by C.
Protein change: p.Trp970Arg; replaces tryptophan 970 with arginine.
Molecular consequence: missense variant.
Genome position (GRCh38, 1-based): chr2:47,800,891, T>C. VCF-style: chr2-47800891-T-C. GRCh37 (hg19) VCF-style: chr2-48028030-T-C.
Other names: c.2518T>C, p.Trp840Arg (NM_001281492.2); c.2002T>C, p.Trp668Arg (NM_001281493.2, NM_001281494.2); short protein forms W840R, W970R, W668R.
Identifiers: ClinVar variation 941629 (VCV000941629.2), dbSNP rs1410870321, ClinGen allele CA346756140.

ClinVar aggregate classification (germline): Uncertain significance. Review status: criteria provided, multiple submitters, no conflicts (2 of 4 stars). 2 submissions from 2 submitters: Uncertain significance (2). Last evaluated 2026-03-20.

Conditions:
Hereditary nonpolyposis colorectal neoplasms. Identifiers: MedGen C0009405, MeSH D003123.
Hereditary cancer-predisposing syndrome. Also called: Hereditary Cancer Syndrome; Neoplastic Syndromes, Hereditary; Tumor predisposition; Hereditary neoplastic syndrome. Identifiers: Orphanet 140162, MedGen C0027672, MeSH D009386, MONDO:0015356.

Allele frequency attached by ClinVar (database versions not stated): gnomAD exomes below 0.00001; TOPMed below 0.00001; gnomAD 0.00001.
gnomAD v4.1: 2 of 1,605,240 alleles (0.00012%); highest among the groups gnomAD compares: African/African-American, 0.0013%; no homozygotes.

Submissions (2):

Ambry Genetics
Classification: Uncertain significance for Hereditary cancer-predisposing syndrome. Last evaluated: 2026-03-20. Review status: criteria provided, single submitter. Criteria: Ambry Variant Classification Scheme 2023. Collection method: clinical testing. Allele origin: germline.
Comment: The p.W970R variant (also known as c.2908T>C), located in coding exon 4 of the MSH6 gene, results from a T to C substitution at nucleotide position 2908. The tryptophan at codon 970 is replaced by arginine, an amino acid with dissimilar properties. This amino acid position is conserved. In addition, this alteration is predicted to be deleterious by in silico analysis. Based on the available evidence, the clinical significance of this variant remains unclear.

Labcorp Genetics (formerly Invitae), Labcorp
Classification: Uncertain significance for Hereditary nonpolyposis colon cancer. Last evaluated: 2019-08-10. Review status: criteria provided, single submitter. Criteria: Invitae Variant Classification Sherloc (09022015). Collection method: clinical testing. Allele origin: germline.
Comment: This sequence change replaces tryptophan with arginine at codon 970 of the MSH6 protein (p.Trp970Arg). The tryptophan residue is highly conserved and there is a moderate physicochemical difference between tryptophan and arginine. This variant is not present in population databases (ExAC no frequency). This variant has not been reported in the literature in individuals with MSH6-related conditions. Algorithms developed to predict the effect of missense changes on protein structure and function are either unavailable or do not agree on the potential impact of this missense change (SIFT: "Tolerated"; PolyPhen-2: "Probably Damaging"; Align-GVGD: "Class C0"). In summary, the available evidence is currently insufficient to determine the role of this variant in disease. Therefore, it has been classified as a Variant of Uncertain Significance.